The following is an entry in ClinVar:

NM_001723.7(DST):c.6385C>G (p.Leu2129Val)

Gene: DST (dystonin; minus strand). Cytogenetic location: 6p12.1.
Variant type: single nucleotide variant.
Coding change: c.6385C>G on transcript NM_001723.7 (MANE Plus Clinical); coding-DNA position 6385, C replaced by G.
Protein change: p.Leu2129Val; replaces leucine 2129 with valine.
Molecular consequence: missense variant. On other transcripts: intron variant (10).
Genome position (GRCh38, 1-based): chr6:56,617,082, G>C on the plus strand (C>G on the coding strand, the complement: DST is on the minus strand). VCF-style: chr6-56617082-G-C. GRCh37 (hg19) VCF-style: chr6-56481880-G-C.
Other names: c.4831-2598C>G (NM_001144769.5); c.4930-2598C>G (NM_001374722.1, NM_001374736.1); c.4957-2598C>G (NM_001374734.1); c.4417-2598C>G (NM_001144770.2); c.4297-2598C>G (NM_001374730.1, NM_001386100.1, NM_183380.4 and 1 more transcripts); c.3319-2598C>G (NM_015548.5); short protein forms L2129V.
Identifiers: ClinVar variation 861299 (VCV000861299.8), dbSNP rs542080394, ClinGen allele CA139208142.

ClinVar aggregate classification (germline): Uncertain significance (1 of 4 stars; one submission).

Conditions:
Epidermolysis bullosa simplex 3, localized or generalized intermediate, with BP230 deficiency (EBS3). Also called: Epidermolysis bullosa simplex due to BP230 deficiency; Epidermolysis bullosa simplex, autosomal recessive 2. Identifiers: Orphanet 412181, MedGen C3809470, MONDO:0014180, OMIM 615425.
Hereditary sensory and autonomic neuropathy type 6. Also called: Neuropathy, hereditary sensory and autonomic, type VI; HSAN VI. Identifiers: Orphanet 314381, MedGen C3539003, MONDO:0013839, OMIM 614653.

Allele frequency attached by ClinVar (database versions not stated): gnomAD 0.00001; gnomAD exomes 0.00001 and 0.00002; 1000 Genomes Project 0.00020; 1000 Genomes Project 30x 0.00031.
gnomAD v4.1: 28 of 1,613,962 alleles (0.0017%); highest among the groups gnomAD compares: Non-Finnish European, 0.0021%; no homozygotes.

Submission:

Labcorp Genetics (formerly Invitae), Labcorp
Classification: Uncertain significance for Epidermolysis bullosa simplex 3, localized or generalized intermediate, with BP230 deficiency; Hereditary sensory and autonomic neuropathy type 6. Last evaluated: 2025-09-03. Review status: criteria provided, single submitter. Criteria: Invitae Variant Classification Sherloc (09022015). Collection method: clinical testing. Allele origin: germline.
Comment: This sequence change replaces leucine, which is neutral and non-polar, with valine, which is neutral and non-polar, at codon 2129 of the DST protein (p.Leu2129Val). This variant is present in population databases (rs542080394, gnomAD 0.003%). This variant has not been reported in the literature in individuals affected with DST-related conditions. ClinVar contains an entry for this variant (Variation ID: 861299). An algorithm developed to predict the effect of missense changes on protein structure and function (PolyPhen-2) suggests that this variant is likely to be disruptive. In summary, the available evidence is currently insufficient to determine the role of this variant in disease. Therefore, it has been classified as a Variant of Uncertain Significance.